The following is an entry in ClinVar:

NM_000057.4(BLM):c.43C>A (p.Arg15Ser)

Gene: BLM (BLM RecQ like helicase; plus strand). Cytogenetic location: 15q26.1.
Variant type: single nucleotide variant.
Coding change: c.43C>A on transcript NM_000057.4 (MANE Select); coding-DNA position 43, C replaced by A.
Protein change: p.Arg15Ser; replaces arginine 15 with serine.
Molecular consequence: missense variant. On other transcripts: 5 prime UTR variant (1).
Genome position (GRCh38, 1-based): chr15:90,747,435, C>A. VCF-style: chr15-90747435-C-A. GRCh37 (hg19) VCF-style: chr15-91290665-C-A.
Other names: c.43C>A (NM_000057.2); c.43C>A, p.Arg15Ser (NM_001287246.2, NM_001287247.2); c.-1249C>A (NM_001287248.2); short protein forms R15S.
Identifiers: ClinVar variation 1465888 (VCV001465888.6), dbSNP rs148545569, ClinGen allele CA274726323.

ClinVar aggregate classification (germline): Conflicting classifications of pathogenicity. Review status: criteria provided, conflicting classifications (1 of 4 stars). 2 submissions from 2 submitters: Uncertain significance (1); Likely benign (1). Last evaluated 2025-09-14.

Conditions:
Hereditary cancer-predisposing syndrome. Also called: Tumor predisposition; Hereditary neoplastic syndrome; Hereditary Cancer Syndrome; Neoplastic Syndromes, Hereditary. Identifiers: Orphanet 140162, MedGen C0027672, MeSH D009386, MONDO:0015356.
Bloom syndrome (BLM). Also called: Bloom-Torre-Machacek syndrome. Identifiers: Orphanet 125, MedGen C0005859, MONDO:0008876, OMIM 210900.

gnomAD v4.1: 4 of 1,611,734 alleles (0.00025%); highest among the groups gnomAD compares: Admixed American, 0.0033%; no homozygotes.

Submissions (2):

Labcorp Genetics (formerly Invitae), Labcorp
Classification: Uncertain significance for Bloom syndrome. Last evaluated: 2025-09-14. Review status: criteria provided, single submitter. Criteria: Invitae Variant Classification Sherloc (09022015). Collection method: clinical testing. Allele origin: germline.
Comment: This sequence change replaces arginine, which is basic and polar, with serine, which is neutral and polar, at codon 15 of the BLM protein (p.Arg15Ser). This variant is present in population databases (no rsID available, gnomAD 0.006%). This variant has not been reported in the literature in individuals affected with BLM-related conditions. ClinVar contains an entry for this variant (Variation ID: 1465888). An algorithm developed to predict the effect of missense changes on protein structure and function (PolyPhen-2) suggests that this variant is likely to be disruptive. RNA analysis performed to evaluate the impact of this missense change on mRNA splicing indicates it does not significantly alter splicing (internal data). In summary, the available evidence is currently insufficient to determine the role of this variant in disease. Therefore, it has been classified as a Variant of Uncertain Significance.

Ambry Genetics
Classification: Likely benign for Hereditary cancer-predisposing syndrome. Last evaluated: 2023-06-05. Review status: criteria provided, single submitter. Criteria: Ambry Variant Classification Scheme 2023. Collection method: clinical testing. Allele origin: germline.